The following is an entry in ClinVar:

NM_080680.3(COL11A2):c.1972-16C>T

Gene: COL11A2 (collagen type XI alpha 2 chain; minus strand). Cytogenetic location: 6p21.32.
Variant type: single nucleotide variant.
Coding change: c.1972-16C>T on transcript NM_080680.3 (MANE Select); 16 bases into the intron before coding-DNA position 1972, C replaced by T.
Molecular consequence: intron variant.
Genome position (GRCh38, 1-based): chr6:33,177,241, G>A on the plus strand (C>T on the coding strand, the complement: COL11A2 is on the minus strand). VCF-style: chr6-33177241-G-A. GRCh37 (hg19) VCF-style: chr6-33145018-G-A.
Other names: c.1651-16C>T (NM_080679.3); c.1714-16C>T (NM_080681.3).
Identifiers: ClinVar variation 516541 (VCV000516541.13), dbSNP rs117435723, ClinGen allele CA3751096.

ClinVar aggregate classification (germline): Benign. Review status: criteria provided, multiple submitters, no conflicts (2 of 4 stars). 6 submissions from 6 submitters: Benign (4). 2 of the submissions do not count toward it. Last evaluated 2026-05-11.

Allele frequency attached by ClinVar (database versions not stated): ESP Exome Variant Server 0.00024; gnomAD 0.00294 and 0.00181; gnomAD exomes 0.00524; 1000 Genomes Project 30x 0.01499; 1000 Genomes Project 0.01637; TOPMed 0.00273; ExAC 0.00491.
gnomAD v4.1: 3,255 of 1,613,014 alleles (0.2%); highest among the groups gnomAD compares: East Asian, 3%; 233 homozygotes.

Submissions (6):

Women's Health and Genetics/Laboratory Corporation of America, LabCorp
Classification: Benign. Last evaluated: 2026-05-11. Review status: criteria provided, single submitter. Criteria: LabCorp Variant Classification Summary - May 2015. Collection method: clinical testing. Allele origin: germline.

Labcorp Genetics (formerly Invitae), Labcorp
Classification: Benign. Last evaluated: 2026-02-02. Review status: criteria provided, single submitter. Criteria: Invitae Variant Classification Sherloc (09022015). Collection method: clinical testing. Allele origin: germline.

ARUP Laboratories, Molecular Genetics and Genomics, ARUP Laboratories
Classification: Benign. Last evaluated: 2023-11-03. Review status: criteria provided, single submitter. Criteria: ARUP Molecular Germline Variant Investigation Process 2024. Collection method: clinical testing. Allele origin: germline.

GeneDx
Classification: Benign. Last evaluated: 2017-06-15. Review status: criteria provided, single submitter. Criteria: GeneDx Variant Classification (06012015). Collection method: clinical testing. Allele origin: germline. Affected: yes.
Comment: This variant is considered likely benign or benign based on one or more of the following criteria: it is a conservative change, it occurs at a poorly conserved position in the protein, it is predicted to be benign by multiple in silico algorithms, and/or has population frequency not consistent with disease.

Genome Diagnostics Laboratory, Amsterdam University Medical Center
Classification: Benign. Review status: no assertion criteria provided. Collection method: clinical testing. Allele origin: germline. Affected: yes. Study: VKGL Data-share Consensus. Not counted in ClinVar's aggregate classification.

Genome Diagnostics Laboratory, University Medical Center Utrecht
Classification: Benign. Review status: no assertion criteria provided. Collection method: clinical testing. Allele origin: germline. Affected: yes. Study: VKGL Data-share Consensus. Not counted in ClinVar's aggregate classification.